The following is an entry in ClinVar:

ClinVar aggregate classification (germline): Likely pathogenic. Review status: criteria provided, multiple submitters, no conflicts (2 of 4 stars). 2 submissions from 2 submitters: Likely pathogenic (2). Last evaluated 2024-11-05.

Conditions:
Ataxia-telangiectasia syndrome (AT). Also called: Ataxia-telangiectasia, complementation group D; AT, COMPLEMENTATION GROUP C; ATAXIA-TELANGIECTASIA, COMPLEMENTATION GROUP A; ATAXIA-TELANGIECTASIA, FRESNO VARIANT; Ataxia-telangiectasia; Ataxia telangiectasia (A-T). Identifiers: Orphanet 100, MedGen C0004135, MONDO:0008840, OMIM 208900.

Submissions (2):

Labcorp Genetics (formerly Invitae), Labcorp
Classification: Likely pathogenic for Ataxia-telangiectasia syndrome. Last evaluated: 2024-11-05. Review status: criteria provided, single submitter. Criteria: Invitae Variant Classification Sherloc (09022015). Collection method: clinical testing. Allele origin: germline.
Comment: This sequence change affects an acceptor splice site in intron 44 of the ATM gene. It is expected to disrupt RNA splicing. Variants that disrupt the donor or acceptor splice site typically lead to a loss of protein function (PMID: 16199547), and loss-of-function variants in ATM are known to be pathogenic (PMID: 23807571, 25614872). This variant is not present in population databases (gnomAD no frequency). Disruption of this splice site has been observed in individual(s) with primary B cell defect (PMID: 36790564). ClinVar contains an entry for this variant (Variation ID: 934774). Algorithms developed to predict the effect of sequence changes on RNA splicing suggest that this variant may disrupt the consensus splice site. In summary, the currently available evidence indicates that the variant is pathogenic, but additional data are needed to prove that conclusively. Therefore, this variant has been classified as Likely Pathogenic.

GeneDx
Classification: Likely pathogenic. Last evaluated: 2024-01-22. Review status: criteria provided, single submitter. Criteria: GeneDx Variant Classification Process June 2021. Collection method: clinical testing. Allele origin: germline. Affected: yes.
Comment: Canonical splice site variant predicted to result in a null allele in a gene for which loss of function is a known mechanism of disease; Not observed at significant frequency in large population cohorts (gnomAD); Has not been previously published as pathogenic or benign to our knowledge; This variant is associated with the following publications: (PMID: 36790564, 23532176)

Literature cited by the submitters: PubMed 16199547 (cited by Labcorp Genetics (formerly Invitae), Labcorp); PubMed 23807571 (cited by Labcorp Genetics (formerly Invitae), Labcorp); PubMed 25614872 (cited by Labcorp Genetics (formerly Invitae), Labcorp); PubMed 36790564 (cited by Labcorp Genetics (formerly Invitae), Labcorp).

NM_000051.4(ATM):c.6453-2A>G

Genes: C11orf65 (chromosome 11 open reading frame 65; minus strand), ATM (ATM serine/threonine kinase; plus strand). Cytogenetic location: 11q22.3.
Variant type: single nucleotide variant.
Coding change: c.6453-2A>G on transcript NM_000051.4 (MANE Select); the canonical splice acceptor site of the intron before coding-DNA position 6453, A replaced by G.
Molecular consequence: splice acceptor variant. On other transcripts: intron variant (2).
Genome position (GRCh38, 1-based): chr11:108,321,299, A>G. VCF-style: chr11-108321299-A-G. GRCh37 (hg19) VCF-style: chr11-108192026-A-G.
Other names: c.6453-2A>G (NM_001351834.2); c.641-12228T>C (NM_001330368.2); c.*39-12228T>C (NM_001351110.2).
Identifiers: ClinVar variation 934774 (VCV000934774.9), dbSNP rs539978799, ClinGen allele CA228406592.